The following is an entry in ClinVar:

NM_018896.5(CACNA1G):c.2965G>A (p.Val989Ile)

Gene: CACNA1G (calcium voltage-gated channel subunit alpha1 G; plus strand). Cytogenetic location: 17q21.33.
Variant type: single nucleotide variant.
Coding change: c.2965G>A on transcript NM_018896.5 (MANE Select); coding-DNA position 2965, G replaced by A.
Protein change: p.Val989Ile; replaces valine 989 with isoleucine.
Molecular consequence: missense variant. On other transcripts: non-coding transcript variant (3), intron variant (8).
Genome position (GRCh38, 1-based): chr17:50,595,047, G>A. VCF-style: chr17-50595047-G-A. GRCh37 (hg19) VCF-style: chr17-48672408-G-A.
Other names: c.2965G>A, p.Val989Ile (NM_001256324.2, NM_001256325.2, NM_001256326.2 and 16 more transcripts); c.2911-1515G>A (NM_198396.3, NM_198379.3, NM_198387.3 and 5 more transcripts); short protein forms V989I.
Identifiers: ClinVar variation 423955 (VCV000423955.2), dbSNP rs1064796716, ClinGen allele CA16620480.

ClinVar aggregate classification (germline): Uncertain significance (1 of 4 stars; one submission).

Allele frequency attached by ClinVar (database versions not stated): gnomAD exomes below 0.00001 and 0.00001; gnomAD 0.00001.
gnomAD v4.1: 2 of 1,553,600 alleles (0.00013%); highest among the groups gnomAD compares: Admixed American, 0.0019%; no homozygotes.

Submission:

GeneDx
Classification: Uncertain significance. Last evaluated: 2017-03-10. Review status: criteria provided, single submitter. Criteria: GeneDx Variant Classification (06012015). Collection method: clinical testing. Allele origin: germline. Affected: yes.
Comment: The V989I variant in the CACNA1G gene has not been reported previously as a pathogenic variant, nor as a benign variant, to our knowledge. The CACNA1G variant is not observed in large population cohorts (Lek et al., 2016; 1000 Genomes Consortium et al., 2015; Exome Variant Server). The CACNA1G variant is a conservative amino acid substitution, which is not likely to impact secondary protein structure as these residues share similar properties. This substitution occurs at a position where amino acids with similar properties to Valine are tolerated across species. In silico analysis is inconsistent in its predictions as to whether or not the variant is damaging to the protein structure/function. Therefore, we interpret CACNA1G as a variant of uncertain significance